The following is an entry in ClinVar:

ClinVar aggregate classification (germline): Benign. Review status: criteria provided, multiple submitters, no conflicts (2 of 4 stars). 6 submissions from 6 submitters: Benign (6). Last evaluated 2026-01-28.

Conditions:
Cataract 6 multiple types. Also called: CATARACT, AGE-RELATED CORTICAL, 2; CATARACT 6, POSTERIOR POLAR; CATARACT 6, CONGENITAL TOTAL. Identifiers: Orphanet 91492, MedGen C1861825, MONDO:0007288, OMIM 116600.

Allele frequency attached by ClinVar (database versions not stated): 1000 Genomes Project 0.22664; 1000 Genomes Project 30x 0.23048; gnomAD 0.26138; TOPMed 0.27443; ESP Exome Variant Server 0.28487.
gnomAD v4.1: 514,508 of 1,607,538 alleles (32%); highest among the groups gnomAD compares: Middle Eastern, 45%; 86,754 homozygotes.

Submissions (6):

Labcorp Genetics (formerly Invitae), Labcorp
Classification: Benign for Cataract 6 multiple types. Last evaluated: 2026-01-28. Review status: criteria provided, single submitter. Criteria: Invitae Variant Classification Sherloc (09022015). Collection method: clinical testing. Allele origin: germline.

Genome-Nilou Lab
Classification: Benign for Cataract 6 multiple types. Last evaluated: 2021-07-30. Review status: criteria provided, single submitter. Criteria: ACMG Guidelines, 2015. Collection method: clinical testing. Allele origin: germline. Affected: no.

GeneDx
Classification: Benign. Last evaluated: 2018-05-01. Review status: criteria provided, single submitter. Criteria: GeneDx Variant Classification (06012015). Collection method: clinical testing. Allele origin: germline. Affected: yes.
Comment: This variant is considered likely benign or benign based on one or more of the following criteria: it is a conservative change, it occurs at a poorly conserved position in the protein, it is predicted to be benign by multiple in silico algorithms, and/or has population frequency not consistent with disease.

Illumina Laboratory Services, Illumina
Classification: Benign for Cataract 6 multiple types. Last evaluated: 2018-01-13. Review status: criteria provided, single submitter. Criteria: ICSL Variant Classification Criteria 13 December 2019. Collection method: clinical testing. Allele origin: germline.
Comment: This variant was observed in the ICSL laboratory as part of a predisposition screen in an ostensibly healthy population. It had not been previously curated by ICSL or reported in the Human Gene Mutation Database (HGMD: prior to June 1st, 2018), and was therefore a candidate for classification through an automated scoring system. Utilizing variant allele frequency, disease prevalence and penetrance estimates, and inheritance mode, an automated score was calculated to assess if this variant is too frequent to cause the disease. Based on the score and internal cut-off values, a variant classified as benign is not then subjected to further curation. The score for this variant resulted in a classification of benign for this disease.

Breakthrough Genomics
Classification: Benign. Review status: criteria provided, single submitter. Criteria: ACMG Guidelines, 2015. Collection method: not provided. Allele origin: germline. Inheritance: Autosomal dominant inheritance. Affected: yes.

PreventionGenetics, part of Exact Sciences
Classification: Benign. Review status: criteria provided, single submitter. Criteria: ACMG Guidelines, 2015. Collection method: clinical testing. Allele origin: germline.

NM_004431.5(EPHA2):c.570G>A (p.Ala190=)

Gene: EPHA2 (EPH receptor A2; minus strand). Cytogenetic location: 1p36.13.
Variant type: single nucleotide variant.
Coding change: c.570G>A on transcript NM_004431.5 (MANE Select); coding-DNA position 570, G replaced by A.
Protein change: p.Ala190=; no amino-acid change (alanine 190 retained).
Molecular consequence: synonymous variant.
Genome position (GRCh38, 1-based): chr1:16,148,631, C>T on the plus strand (G>A on the coding strand, the complement: EPHA2 is on the minus strand). VCF-style: chr1-16148631-C-T. GRCh37 (hg19) VCF-style: chr1-16475126-C-T.
Other names: c.408G>A, p.Ala136= (NM_001329090.2).
Identifiers: ClinVar variation 259393 (VCV000259393.18), dbSNP rs6678618, ClinGen allele CA625485.
Genomic context (GRCh38, chr1:16,148,631, plus strand): 5'-GTGGGCCAGGCCCTGCAGCAGCTCGGGGCACTTCTTGTAGTAGACACGGACGGAGAGCAG[C>T]GCCACACAGGCACCGATATCCTGGAAGGCCAGGTAGAAGCCTTTGCGGGTGAGCGGCCCC-3'
Protein context (NP_004422.2, residues 180-200): LAFQDIGACV[Ala190=]LLSVRVYYKK